The following is an entry in ClinVar:

ClinVar aggregate classification (germline): Uncertain significance (1 of 4 stars; one submission).

Submission:

Labcorp Genetics (formerly Invitae), Labcorp
Classification: Uncertain significance. Last evaluated: 2025-11-12. Review status: criteria provided, single submitter. Criteria: Invitae Variant Classification Sherloc (09022015). Collection method: clinical testing. Allele origin: germline.
Comment: This sequence change replaces arginine, which is basic and polar, with isoleucine, which is neutral and non-polar, at codon 739 of the DHX32 protein (p.Arg739Ile). This variant is present in population databases (no rsID available, gnomAD 0.0008%). This variant has not been reported in the literature in individuals affected with DHX32-related conditions. ClinVar contains an entry for this variant (Variation ID: 1430422). An algorithm developed to predict the effect of missense changes on protein structure and function (PolyPhen-2) suggests that this variant is likely to be disruptive. In summary, the available evidence is currently insufficient to determine the role of this variant in disease. Therefore, it has been classified as a Variant of Uncertain Significance.

NM_018180.3(DHX32):c.2216_2217inv (p.Arg739Ile)

Genes: BCCIP (BRCA2 and CDKN1A interacting protein; plus strand), DHX32 (DEAH-box helicase 32 (putative); minus strand). Cytogenetic location: 10q26.2.
Variant type: Inversion.
Coding change: c.2216_2217inv on transcript NM_018180.3 (MANE Select).
Protein change: p.Arg739Ile; replaces arginine 739 with isoleucine.
Molecular consequence: missense variant. On other transcripts: intron variant (2).
Genome position: GRCh38 VCF-style: chr10-125836702-TC-GA. GRCh37 (hg19) VCF-style: chr10-127525271-TC-GA.
Other names: c.774+2756_774+2757inv (NM_016567.4, NM_078469.3); short protein forms R739I.
Identifiers: ClinVar variation 1430422 (VCV001430422.7), ClinGen allele CA2573145606.